The following is an entry in ClinVar:

NM_017553.3(INO80):c.4453+46A>C

Gene: INO80 (INO80 complex ATPase subunit; minus strand). Cytogenetic location: 15q15.1.
Variant type: single nucleotide variant.
Coding change: c.4453+46A>C on transcript NM_017553.3 (MANE Select); 46 bases into the intron after coding-DNA position 4453, A replaced by C.
Molecular consequence: intron variant.
Genome position (GRCh38, 1-based): chr15:40,982,816, T>G on the plus strand (A>C on the coding strand, the complement: INO80 is on the minus strand). VCF-style: chr15-40982816-T-G. GRCh37 (hg19) VCF-style: chr15-41275014-T-G.
Identifiers: ClinVar variation 2688187 (VCV002688187.2), dbSNP rs7173954, ClinGen allele CA7488419.

ClinVar aggregate classification (germline): Benign (1 of 4 stars; one submission).

Allele frequency attached by ClinVar (database versions not stated): 1000 Genomes Project 0.24341; 1000 Genomes Project 30x 0.25031; TOPMed 0.32683; ESP Exome Variant Server 0.36028.
gnomAD v4.1: 510,116 of 1,462,156 alleles (35%); highest among the groups gnomAD compares: Middle Eastern, 39%; 94,149 homozygotes.

Submission:

Unidad de Genómica Garrahan, Hospital de Pediatría Garrahan
Classification: Benign. Last evaluated: 2024-01-24. Review status: criteria provided, single submitter. Criteria: ACMG Guidelines, 2015. Collection method: clinical testing. Allele origin: germline. Affected: no. Observed: 37 variant alleles.
Comment: This variant is classified as Benign based on local population frequency. This variant was detected in 39% of patients studied by a panel of primary immunodeficiencies. Number of patients: 37. Only high quality variants are reported.